The following is an entry in ClinVar:

NM_022042.4(SLC26A1):c.1700G>C (p.Gly567Ala)

Genes: IDUA (alpha-L-iduronidase; plus strand), SLC26A1 (solute carrier family 26 member 1; minus strand). Cytogenetic location: 4p16.3.
Variant type: single nucleotide variant.
Coding change: c.1700G>C on transcript NM_022042.4 (MANE Select); coding-DNA position 1700, G replaced by C.
Protein change: p.Gly567Ala; replaces glycine 567 with alanine.
Molecular consequence: missense variant. On other transcripts: intron variant (2).
Genome position (GRCh38, 1-based): chr4:989,239, C>G on the plus strand (G>C on the coding strand, the complement: SLC26A1 is on the minus strand). VCF-style: chr4-989239-C-G. GRCh37 (hg19) VCF-style: chr4-983027-C-G.
Other names: c.1700G>C, p.Gly567Ala (NM_213613.4); c.576+1889G>C (NM_134425.4); c.299+1290C>G (NM_000203.5); short protein forms G567A.
Identifiers: ClinVar variation 2419530 (VCV002419530.6), dbSNP rs765881732, ClinGen allele CA2801300.
Genomic context (GRCh38, chr4:989,239, plus strand): 5'-GGGCCTCCCTCACCGACCCCCGTCTCTGAGCCCCCCTCCTTCCTCCTGGCAGCCATGCAC[C>G]CTGCGTCCAGCCCCGTGAGGCTGTAGAGTGACTGCAGGAAGAAGTCCTTGTTGGCATAGT-3'
Protein context (NP_071325.2, residues 557-577): SLYSLTGLDA[Gly567Ala]CMAARRKEGG

ClinVar aggregate classification (germline): Uncertain significance (1 of 4 stars; one submission).

gnomAD v4.1: 4 of 1,612,510 alleles (0.00025%); highest among the groups gnomAD compares: Admixed American, 0.0067%; no homozygotes.

Submission:

Labcorp Genetics (formerly Invitae), Labcorp
Classification: Uncertain significance. Last evaluated: 2025-06-12. Review status: criteria provided, single submitter. Criteria: Invitae Variant Classification Sherloc (09022015). Collection method: clinical testing. Allele origin: germline.
Comment: This sequence change replaces glycine, which is neutral and non-polar, with alanine, which is neutral and non-polar, at codon 567 of the SLC26A1 protein (p.Gly567Ala). This variant is present in population databases (rs765881732, gnomAD 0.009%). This variant has not been reported in the literature in individuals affected with SLC26A1-related conditions. ClinVar contains an entry for this variant (Variation ID: 2419530). Invitae Evidence Modeling of protein sequence and biophysical properties (such as structural, functional, and spatial information, amino acid conservation, physicochemical variation, residue mobility, and thermodynamic stability) indicates that this missense variant is not expected to disrupt SLC26A1 protein function with a negative predictive value of 80%. In summary, the available evidence is currently insufficient to determine the role of this variant in disease. Therefore, it has been classified as a Variant of Uncertain Significance.